The following is an entry in ClinVar:

NM_001283.5(AP1S1):c.72G>A (p.Ser24=)

Genes: AP1S1 (adaptor related protein complex 1 subunit sigma 1; plus strand), LOC126860125 (BRD4-independent group 4 enhancer GRCh37_chr7:100799642-100800841; plus strand). Cytogenetic location: 7q22.1.
Variant type: single nucleotide variant.
Coding change: c.72G>A on transcript NM_001283.5 (MANE Select); coding-DNA position 72, G replaced by A.
Protein change: p.Ser24=; no amino-acid change (serine 24 retained).
Molecular consequence: synonymous variant.
Genome position (GRCh38, 1-based): chr7:101,156,662, G>A. VCF-style: chr7-101156662-G-A. GRCh37 (hg19) VCF-style: chr7-100799943-G-A.
Identifiers: ClinVar variation 2730505 (VCV002730505.5), dbSNP rs764480951, ClinGen allele CA4405921.

ClinVar aggregate classification (germline): Likely benign. Review status: criteria provided, multiple submitters, no conflicts (2 of 4 stars). 2 submissions from 2 submitters: Likely benign (2). Last evaluated 2026-04-01.

Allele frequency attached by ClinVar (database versions not stated): ExAC 0.00003; gnomAD 0.00008; TOPMed 0.00011.
gnomAD v4.1: 19 of 1,611,802 alleles (0.0012%); highest among the groups gnomAD compares: African/African-American, 0.021%; no homozygotes.

Submissions (2):

CeGaT Center for Human Genetics Tuebingen
Classification: Likely benign. Last evaluated: 2026-04-01. Review status: criteria provided, single submitter. Criteria: CeGaT Center For Human Genetics Tuebingen Variant Classification Criteria Version 2. Collection method: clinical testing. Allele origin: germline. Affected: yes. Observed: 1 variant allele.
Comment: AP1S1: BP4, BP7

Labcorp Genetics (formerly Invitae), Labcorp
Classification: Likely benign. Last evaluated: 2024-02-09. Review status: criteria provided, single submitter. Criteria: Invitae Variant Classification Sherloc (09022015). Collection method: clinical testing. Allele origin: germline.